The following is an entry in ClinVar:

ClinVar aggregate classification (germline): Uncertain significance (1 of 4 stars; one submission).

Conditions:
Cardiomyopathy (CMYO). Also called: Cardiomyopathies. Identifiers: Orphanet 167848, MedGen C0878544, MONDO:0004994, HP:0001638. Inheritance: Various modes of inheritance.

Submission:

Color Diagnostics, LLC DBA Color Health
Classification: Uncertain significance for Cardiomyopathy. Last evaluated: 2024-03-06. Review status: criteria provided, single submitter. Criteria: ACMG Guidelines, 2015. Collection method: clinical testing. Allele origin: germline.
Comment: This missense variant replaces alanine with threonine at codon 2889 of the RYR2 protein. Computational prediction suggests that this variant may have deleterious impact on protein structure and function (internally defined REVEL score threshold >= 0.7, PMID: 27666373). To our knowledge, functional studies have not been reported for this variant. This variant has not been reported in individuals affected with cardiovascular disorders in the literature. This variant has not been identified in the general population by the Genome Aggregation Database (gnomAD). The available evidence is insufficient to determine the role of this variant in disease conclusively. Therefore, this variant is classified as a Variant of Uncertain Significance.

NM_001035.3(RYR2):c.8665G>A (p.Ala2889Thr)

Gene: RYR2 (ryanodine receptor 2; plus strand). Cytogenetic location: 1q43.
Variant type: single nucleotide variant.
Coding change: c.8665G>A on transcript NM_001035.3 (MANE Select); coding-DNA position 8665, G replaced by A.
Protein change: p.Ala2889Thr; replaces alanine 2889 with threonine.
Molecular consequence: missense variant.
Genome position (GRCh38, 1-based): chr1:237,674,170, G>A. VCF-style: chr1-237674170-G-A. GRCh37 (hg19) VCF-style: chr1-237837470-G-A.
Other names: short protein forms A2889T.
Identifiers: ClinVar variation 1331757 (VCV001331757.3), dbSNP rs905023076, ClinGen allele CA345403065.